The following is an entry in ClinVar:

NM_174936.4(PCSK9):c.517C>T (p.Pro173Ser)

Gene: PCSK9 (proprotein convertase subtilisin/kexin type 9; plus strand). Cytogenetic location: 1p32.3.
Variant type: single nucleotide variant.
Coding change: c.517C>T on transcript NM_174936.4 (MANE Select); coding-DNA position 517, C replaced by T.
Protein change: p.Pro173Ser; replaces proline 173 with serine.
Molecular consequence: missense variant.
Genome position (GRCh38, 1-based): chr1:55,046,640, C>T. VCF-style: chr1-55046640-C-T. GRCh37 (hg19) VCF-style: chr1-55512313-C-T.
Other names: c.517C>T (NM_174936.3); short protein forms P173S.
Identifiers: ClinVar variation 3071699 (VCV003071699.2), dbSNP rs1346692733, ClinGen allele CA340484866.

ClinVar aggregate classification (germline): Uncertain significance. Review status: criteria provided, multiple submitters, no conflicts (2 of 4 stars). 2 submissions from 2 submitters: Uncertain significance (2). Last evaluated 2025-05-09.

Conditions:
Hypercholesterolemia, autosomal dominant, 3 (FHCL3). Also called: Familial Hypercholesterolemia, Autosomal Dominant, 3; PCSK9-Related Familial Hypercholesterolemia, Autosomal Dominant; Familial hypercholesterolemia 3. Identifiers: MedGen C1863551, MONDO:0011369, OMIM 603776.

Allele frequency attached by ClinVar (database versions not stated): gnomAD exomes below 0.00001 and 0.00001; TOPMed below 0.00001; gnomAD 0.00001.
gnomAD v4.1: 9 of 1,613,736 alleles (0.00056%); highest among the groups gnomAD compares: East Asian, 0.0022%; no homozygotes.

Submissions (2):

GeneDx
Classification: Uncertain significance. Last evaluated: 2025-05-09. Review status: criteria provided, single submitter. Criteria: GeneDx Variant Classification Process June 2021. Collection method: clinical testing. Allele origin: germline. Affected: yes.
Comment: Not observed at significant frequency in large population cohorts (gnomAD); In silico analysis suggests that this missense variant does not alter protein structure/function; This variant is associated with the following publications: (PMID: 30971288)

All of Us Research Program, National Institutes of Health
Classification: Uncertain significance for Hypercholesterolemia, autosomal dominant, 3. Last evaluated: 2024-01-11. Review status: criteria provided, single submitter. Criteria: ACMG Guidelines, 2015. Collection method: clinical testing. Allele origin: germline. Inheritance: Autosomal dominant inheritance. Observed: 2 variant alleles, 2 heterozygotes.
Comment: This study involves interpretation of variants in research participants for the purpose of population health screening. Participant phenotype was not available at the time of variant classification. Additional details can be found in publication PMID: 35346344, PMCID: PMC8962531